The following is an entry in ClinVar:

NM_015072.5(TTLL5):c.2630C>T (p.Ala877Val)

Gene: TTLL5 (tubulin tyrosine ligase like 5; plus strand). Cytogenetic location: 14q24.3.
Variant type: single nucleotide variant.
Coding change: c.2630C>T on transcript NM_015072.5 (MANE Select); coding-DNA position 2630, C replaced by T.
Protein change: p.Ala877Val; replaces alanine 877 with valine.
Molecular consequence: missense variant.
Genome position (GRCh38, 1-based): chr14:75,783,174, C>T. VCF-style: chr14-75783174-C-T. GRCh37 (hg19) VCF-style: chr14-76249517-C-T.
Other names: short protein forms A877V.
Identifiers: ClinVar variation 849103 (VCV000849103.10), dbSNP rs766256432, ClinGen allele CA390471919.

ClinVar aggregate classification (germline): Uncertain significance (1 of 4 stars; one submission).

Allele frequency attached by ClinVar (database versions not stated): TOPMed 0.00001.
gnomAD v4.1: 3 of 1,611,704 alleles (0.00019%); highest among the groups gnomAD compares: South Asian, 0.0022%; no homozygotes.

Submission:

Labcorp Genetics (formerly Invitae), Labcorp
Classification: Uncertain significance. Last evaluated: 2019-12-27. Review status: criteria provided, single submitter. Criteria: Invitae Variant Classification Sherloc (09022015). Collection method: clinical testing. Allele origin: germline.
Comment: In summary, the available evidence is currently insufficient to determine the role of this variant in disease. Therefore, it has been classified as a Variant of Uncertain Significance. Algorithms developed to predict the effect of sequence changes on RNA splicing suggest that this variant may create or strengthen a splice site, but this prediction has not been confirmed by published transcriptional studies. Algorithms developed to predict the effect of missense changes on protein structure and function are either unavailable or do not agree on the potential impact of this missense change (SIFT: "Deleterious"; PolyPhen-2: "Benign"; Align-GVGD: "Class C0"). This variant has not been reported in the literature in individuals with TTLL5-related conditions. This variant is not present in population databases (ExAC no frequency). This sequence change replaces alanine with valine at codon 877 of the TTLL5 protein (p.Ala877Val). The alanine residue is moderately conserved and there is a small physicochemical difference between alanine and valine.